The following is an entry in ClinVar:

ClinVar aggregate classification (germline): Uncertain significance (1 of 4 stars; one submission).

Conditions:
Immunodeficiency 31B. Also called: STAT1 DEFICIENCY, AUTOSOMAL RECESSIVE; IMMUNODEFICIENCY 31B, MYCOBACTERIAL AND VIRAL INFECTIONS, AUTOSOMAL RECESSIVE. Identifiers: Orphanet 391311, MedGen C3151088, MONDO:0013427, OMIM 613796.
Mendelian susceptibility to mycobacterial diseases due to partial STAT1 deficiency. Also called: IMMUNODEFICIENCY 31A, MYCOBACTERIOSIS, AUTOSOMAL DOMINANT; STAT1 DEFICIENCY, AUTOSOMAL DOMINANT; Immunodeficiency 31a. Identifiers: Orphanet 319595, MedGen C4013950, MONDO:0013956, OMIM 614892.
Autoimmune enteropathy and endocrinopathy - susceptibility to chronic infections syndrome. Also called: Immunodeficiency 31C, autosomal dominant; Immunodeficiency 31C. Identifiers: Orphanet 391487, MedGen C3279990, MONDO:0013599, OMIM 614162.

Allele frequency attached by ClinVar (database versions not stated): gnomAD 0.00001.

Submission:

Labcorp Genetics (formerly Invitae), Labcorp
Classification: Uncertain significance for Mendelian susceptibility to mycobacterial diseases due to partial STAT1 deficiency; Immunodeficiency 31B; Autoimmune enteropathy and endocrinopathy - susceptibility to chronic infections syndrome. Last evaluated: 2022-09-19. Review status: criteria provided, single submitter. Criteria: Invitae Variant Classification Sherloc (09022015). Collection method: clinical testing. Allele origin: germline.
Comment: ClinVar contains an entry for this variant (Variation ID: 1375560). This variant has not been reported in the literature in individuals affected with STAT1-related conditions. This variant is present in population databases (no rsID available, gnomAD 0.1%). This sequence change falls in intron 12 of the STAT1 gene. It does not directly change the encoded amino acid sequence of the STAT1 protein. It affects a nucleotide within the consensus splice site. Variants that disrupt the consensus splice site are a relatively common cause of aberrant splicing (PMID: 17576681, 9536098). Algorithms developed to predict the effect of sequence changes on RNA splicing suggest that this variant may create or strengthen a splice site. In summary, the available evidence is currently insufficient to determine the role of this variant in disease. Therefore, it has been classified as a Variant of Uncertain Significance.

Literature cited by the submitters: PubMed 17576681; PubMed 9536098.

NM_007315.4(STAT1):c.1097+6A>G

Gene: STAT1 (signal transducer and activator of transcription 1; minus strand). Cytogenetic location: 2q32.2.
Variant type: single nucleotide variant.
Coding change: c.1097+6A>G on transcript NM_007315.4 (MANE Select); 6 bases into the intron after coding-DNA position 1097, A replaced by G.
Molecular consequence: intron variant.
Genome position (GRCh38, 1-based): chr2:190,989,609, T>C on the plus strand (A>G on the coding strand, the complement: STAT1 is on the minus strand). VCF-style: chr2-190989609-T-C. GRCh37 (hg19) VCF-style: chr2-191854335-T-C.
Other names: c.1007+6A>G (NM_001384890.1); c.998+6A>G (NM_001384883.1); c.938+6A>G (NM_001384885.1); c.1004+6A>G (NM_001384887.1); c.1037+1619A>G (NM_001384880.1); c.1097+6A>G (NM_001384888.1, NM_001384882.1, NM_001384889.1 and 2 more transcripts); c.1133+6A>G (NM_001384891.1); c.1103+6A>G (NM_001384884.1, NM_001384881.1).
Identifiers: ClinVar variation 1375560 (VCV001375560.6), dbSNP rs1485704994, ClinGen allele CA538474257.